The following is an entry in ClinVar:

NM_002440.4(MSH4):c.1092C>A (p.Thr364=)

Gene: MSH4 (mutS homolog 4; plus strand). Cytogenetic location: 1p31.1.
Variant type: single nucleotide variant.
Coding change: c.1092C>A on transcript NM_002440.4 (MANE Select); coding-DNA position 1092, C replaced by A.
Protein change: p.Thr364=; no amino-acid change (threonine 364 retained).
Molecular consequence: synonymous variant.
Genome position (GRCh38, 1-based): chr1:75,822,511, C>A. VCF-style: chr1-75822511-C-A. GRCh37 (hg19) VCF-style: chr1-76288196-C-A.
Identifiers: ClinVar variation 5038870 (VCV005038870.1).
Genomic context (GRCh38, chr1:75,822,511, plus strand): 5'-TCCTGGAGGGAGTAGACGACTTCGTTCTAATATATTAGAGCCTCTAGTTGATATTGAAAC[C>A]ATTAACATGAGATTAGATTGTGTTCAAGAACTACTTCAAGATGAGGAACTATTTTTTGGA-3'
Protein context (NP_002431.2, residues 354-374): NILEPLVDIE[Thr364=]INMRLDCVQE

ClinVar aggregate classification (germline): Likely benign (1 of 4 stars; one submission).

gnomAD v4.1: 47 of 1,585,460 alleles (0.003%); highest among the groups gnomAD compares: Non-Finnish European, 0.0038%; no homozygotes.

Submission:

CeGaT Center for Human Genetics Tuebingen
Classification: Likely benign. Last evaluated: 2026-07-01. Review status: criteria provided, single submitter. Criteria: CeGaT Center For Human Genetics Tuebingen Variant Classification Criteria Version 2. Collection method: clinical testing. Allele origin: germline. Affected: yes. Observed: 1 variant allele.
Comment: MSH4: BP4, BP7